The following is an entry in ClinVar:

ClinVar aggregate classification (germline): Uncertain significance. Review status: criteria provided, multiple submitters, no conflicts (2 of 4 stars). 3 submissions from 3 submitters: Uncertain significance (3). Last evaluated 2025-08-29.

Conditions:
Glycogen storage disease due to phosphoglycerate kinase 1 deficiency. Also called: PHOSPHOGLYCERATE KINASE 1 DEFICIENCY WITH LEVO-DOPA-RESPONSIVE PARKINSONISM; PGK1 DEFICIENCY. Identifiers: Orphanet 713, MedGen C1970848, MONDO:0010392, OMIM 300653.

Allele frequency attached by ClinVar (database versions not stated): ExAC 0.00002; gnomAD exomes 0.00002; TOPMed 0.00002; gnomAD 0.00005; ESP Exome Variant Server 0.00009.
gnomAD v4.1: 24 of 1,209,846 alleles (0.002%); highest among the groups gnomAD compares: African/African-American, 0.0052%; no homozygotes.

Submissions (3):

Labcorp Genetics (formerly Invitae), Labcorp
Classification: Uncertain significance. Last evaluated: 2025-08-29. Review status: criteria provided, single submitter. Criteria: Invitae Variant Classification Sherloc (09022015). Collection method: clinical testing. Allele origin: germline.
Comment: This sequence change replaces valine, which is neutral and non-polar, with alanine, which is neutral and non-polar, at codon 83 of the PGK1 protein (p.Val83Ala). This variant is present in population databases (rs138851144, gnomAD 0.008%), including at least one homozygous and/or hemizygous individual. This variant has not been reported in the literature in individuals affected with PGK1-related conditions. ClinVar contains an entry for this variant (Variation ID: 547849). Invitae Evidence Modeling of protein sequence and biophysical properties (such as structural, functional, and spatial information, amino acid conservation, physicochemical variation, residue mobility, and thermodynamic stability) indicates that this missense variant is not expected to disrupt PGK1 protein function with a negative predictive value of 80%. In summary, the available evidence is currently insufficient to determine the role of this variant in disease. Therefore, it has been classified as a Variant of Uncertain Significance.

Fulgent Genetics
Classification: Uncertain significance for Glycogen storage disease due to phosphoglycerate kinase 1 deficiency. Last evaluated: 2018-10-31. Review status: criteria provided, single submitter. Criteria: ACMG Guidelines, 2015. Collection method: clinical testing. Allele origin: unknown.

Mayo Clinic Laboratories, Mayo Clinic
Classification: Uncertain significance for Glycogen storage disease due to phosphoglycerate kinase 1 deficiency. Last evaluated: 2016-05-03. Review status: criteria provided, single submitter. Criteria: ACMG Guidelines, 2015. Collection method: clinical testing. Allele origin: maternal.

NM_000291.4(PGK1):c.248T>C (p.Val83Ala)

Gene: PGK1 (phosphoglycerate kinase 1; plus strand). Cytogenetic location: Xq21.1.
Variant type: single nucleotide variant.
Coding change: c.248T>C on transcript NM_000291.4 (MANE Select); coding-DNA position 248, T replaced by C.
Protein change: p.Val83Ala; replaces valine 83 with alanine.
Molecular consequence: missense variant.
Genome position (GRCh38, 1-based): chrX:78,113,875, T>C. VCF-style: chrX-78113875-T-C. GRCh37 (hg19) VCF-style: chrX-77369372-T-C.
Other names: short protein forms V83A.
Identifiers: ClinVar variation 547849 (VCV000547849.10), dbSNP rs138851144, ClinGen allele CA10459641.
Genomic context (GRCh38, chrX:78,113,875, plus strand): 5'-ACCTAGGCCGGCCTGATGGTGTGCCCATGCCTGACAAGTACTCCTTAGAGCCAGTTGCTG[T>C]AGAACTCAAATCTCTGCTGGGCAAGTAAGTGCCAGGCTCTGGTGCTGGTAGACTTTGTGG-3'
Protein context (NP_000282.1, residues 73-93): PDKYSLEPVA[Val83Ala]ELKSLLGKDV